The following is an entry in ClinVar:

ClinVar aggregate classification (germline): Benign/Likely benign. Review status: criteria provided, multiple submitters, no conflicts (2 of 4 stars). 2 submissions from 2 submitters: Benign (1); Likely benign (1). Last evaluated 2024-11-07.

Conditions:
Papillary renal cell carcinoma type 1 (RCCP1). Also called: RENAL CELL CARCINOMA, PAPILLARY, 1, SOMATIC; Renal adenocarcinoma; Renal cell carcinoma 1; Renal cell carcinoma, somatic. Identifiers: Orphanet 47044, MedGen C1336839, OMIM 605074, HP:0011797.
Renal cell carcinoma. Identifiers: Orphanet 217071, MedGen C0007134, MeSH D002292, MONDO:0005086, HP:0005584.

Allele frequency attached by ClinVar (database versions not stated): ExAC 0.00001.
gnomAD v4.1: 2 of 1,613,094 alleles (0.00012%); highest among the groups gnomAD compares: South Asian, 0.0022%; no homozygotes.

Submissions (2):

Myriad Genetics, Inc.
Classification: Benign for Papillary renal cell carcinoma type 1. Last evaluated: 2024-11-07. Review status: criteria provided, single submitter. Criteria: Myriad Autosomal Dominant, Autosomal Recessive and X-Linked Classification Criteria (2023). Collection method: clinical testing. Allele origin: unknown.
Comment: This variant is considered benign. This variant is a silent/synonymous amino acid change and it is not expected to impact splicing.

Labcorp Genetics (formerly Invitae), Labcorp
Classification: Likely benign for Renal cell carcinoma. Last evaluated: 2019-06-12. Review status: criteria provided, single submitter. Criteria: Invitae Variant Classification Sherloc (09022015). Collection method: clinical testing. Allele origin: germline.

NM_000245.4(MET):c.1692A>G (p.Ala564=)

Gene: MET (MET proto-oncogene, receptor tyrosine kinase; plus strand). Cytogenetic location: 7q31.2.
Variant type: single nucleotide variant.
Coding change: c.1692A>G on transcript NM_000245.4 (MANE Select); coding-DNA position 1692, A replaced by G.
Protein change: p.Ala564=; no amino-acid change (alanine 564 retained).
Molecular consequence: synonymous variant.
Genome position (GRCh38, 1-based): chr7:116,741,016, A>G. VCF-style: chr7-116741016-A-G. GRCh37 (hg19) VCF-style: chr7-116381070-A-G.
Other names: c.1692A>G, p.Ala564= (NM_001127500.3, NM_001324401.3); c.402A>G, p.Ala134= (NM_001324402.2).
Identifiers: ClinVar variation 1145834 (VCV001145834.10), dbSNP rs780855618, ClinGen allele CA4448220.
Genomic context (GRCh38, chr7:116,741,016, plus strand): 5'-ATGTGTGCGATCGGAGGAATGCCTGAGCGGGACATGGACTCAACAGATCTGTCTGCCTGC[A>G]ATCTACAAGGTAGGAATCTCTAACAGCTGGCATACATGTTTTTGTTTGGTGTTTTTTTTT-3'
Protein context (NP_000236.2, residues 554-574): GTWTQQICLP[Ala564=]IYKVFPNSAP